The following is an entry in ClinVar:

ClinVar aggregate classification (germline): Likely benign. Review status: criteria provided, multiple submitters, no conflicts (2 of 4 stars). 2 submissions from 2 submitters: Likely benign (2). Last evaluated 2023-10-02.

Conditions:
RYR1-related disorder. Also called: RYR1-related disorders; RYR1-related condition. Identifiers: MedGen CN239331.
Malignant hyperthermia, susceptibility to, 1 (MHS1). Also called: RYR1-Related Malignant Hyperthermia Susceptibility; Anesthesia related hyperthermia; Malignant hyperpyrexia; Fulminating hyperpyrexia; Pharmacogenic myopathy; Malignant hyperthermia suceptibility 1. Identifiers: Orphanet 423, MedGen C2930980, MONDO:0007783, OMIM 145600.

Submissions (2):

All of Us Research Program, National Institutes of Health
Classification: Likely benign for Malignant hyperthermia, susceptibility to, 1. Last evaluated: 2023-10-02. Review status: criteria provided, single submitter. Criteria: ACMG Guidelines, 2015. Collection method: clinical testing. Allele origin: germline. Inheritance: Autosomal dominant inheritance. Observed: 1 variant allele, 1 heterozygote.
Comment: This study involves interpretation of variants in research participants for the purpose of population health screening. Participant phenotype was not available at the time of variant classification. Additional details can be found in publication PMID: 35346344, PMCID: PMC8962531

Labcorp Genetics (formerly Invitae), Labcorp
Classification: Likely benign for RYR1-related disorder. Last evaluated: 2023-07-28. Review status: criteria provided, single submitter. Criteria: Invitae Variant Classification Sherloc (09022015). Collection method: clinical testing. Allele origin: germline.

NM_000540.3(RYR1):c.166-9C>T

Gene: RYR1 (ryanodine receptor 1; plus strand). Cytogenetic location: 19q13.2.
Variant type: single nucleotide variant.
Coding change: c.166-9C>T on transcript NM_000540.3 (MANE Select); 9 bases into the intron before coding-DNA position 166, C replaced by T.
Molecular consequence: intron variant.
Genome position (GRCh38, 1-based): chr19:38,442,340, C>T. VCF-style: chr19-38442340-C-T. GRCh37 (hg19) VCF-style: chr19-38932980-C-T.
Other names: c.166-9C>T (NM_001042723.2).
Identifiers: ClinVar variation 1972404 (VCV001972404.6), dbSNP rs2513965206, ClinGen allele CA507238810.